The following is an entry in ClinVar:

ClinVar aggregate classification (germline): Uncertain significance (1 of 4 stars; one submission).

Conditions:
Familial thoracic aortic aneurysm and aortic dissection (TAAD). Also called: Thoracic aortic aneurysms and dissections. Identifiers: Orphanet 91387, MedGen C4707243, MONDO:0019625.

gnomAD v4.1: 1 of 1,612,526 alleles (0.000062%); highest among the groups gnomAD compares: Admixed American, 0.0017%; no homozygotes.

Submission:

Ambry Genetics
Classification: Uncertain significance for Familial thoracic aortic aneurysm and aortic dissection. Last evaluated: 2025-10-12. Review status: criteria provided, single submitter. Criteria: Ambry Variant Classification Scheme 2023. Collection method: clinical testing. Allele origin: germline.
Comment: The p.Y1499S variant (also known as c.4496A>C), located in coding exon 25 of the NOTCH1 gene, results from an A to C substitution at nucleotide position 4496. The tyrosine at codon 1499 is replaced by serine, an amino acid with dissimilar properties. This amino acid position is conserved. In addition, the in silico prediction for this alteration is inconclusive. Based on the available evidence, the clinical significance of this variant remains unclear.

NM_017617.5(NOTCH1):c.4496A>C (p.Tyr1499Ser)

Gene: NOTCH1 (notch receptor 1; minus strand). Cytogenetic location: 9q34.3.
Variant type: single nucleotide variant.
Coding change: c.4496A>C on transcript NM_017617.5 (MANE Select); coding-DNA position 4496, A replaced by C.
Protein change: p.Tyr1499Ser; replaces tyrosine 1499 with serine.
Molecular consequence: missense variant.
Genome position (GRCh38, 1-based): chr9:136,505,400, T>G on the plus strand (A>C on the coding strand, the complement: NOTCH1 is on the minus strand). VCF-style: chr9-136505400-T-G. GRCh37 (hg19) VCF-style: chr9-139399852-T-G.
Other names: short protein forms Y1499S.
Identifiers: ClinVar variation 4635469 (VCV004635469.1).